The following is an entry in ClinVar:

NM_022042.4(SLC26A1):c.1793C>A (p.Thr598Asn)

Genes: IDUA (alpha-L-iduronidase; plus strand), SLC26A1 (solute carrier family 26 member 1; minus strand). Cytogenetic location: 4p16.3.
Variant type: single nucleotide variant.
Coding change: c.1793C>A on transcript NM_022042.4 (MANE Select); coding-DNA position 1793, C replaced by A.
Protein change: p.Thr598Asn; replaces threonine 598 with asparagine.
Molecular consequence: missense variant. On other transcripts: intron variant (2).
Genome position (GRCh38, 1-based): chr4:989,146, G>T on the plus strand (C>A on the coding strand, the complement: SLC26A1 is on the minus strand). VCF-style: chr4-989146-G-T. GRCh37 (hg19) VCF-style: chr4-982934-G-T.
Other names: c.1793C>A, p.Thr598Asn (NM_213613.4); c.576+1982C>A (NM_134425.4); c.299+1197G>T (NM_000203.5); short protein forms T598N.
Identifiers: ClinVar variation 2899778 (VCV002899778.4), dbSNP rs745684120, ClinGen allele CA2801269.

ClinVar aggregate classification (germline): Uncertain significance. Review status: criteria provided, multiple submitters, no conflicts (2 of 4 stars). 2 submissions from 2 submitters: Uncertain significance (2). Last evaluated 2025-12-08.

Conditions:
Inborn genetic diseases. Identifiers: MedGen C0950123, MeSH D030342.

Allele frequency attached by ClinVar (database versions not stated): ExAC 0.00004.
gnomAD v4.1: 17 of 1,607,828 alleles (0.0011%); highest among the groups gnomAD compares: South Asian, 0.018%; 1 homozygote.

Submissions (2):

Labcorp Genetics (formerly Invitae), Labcorp
Classification: Uncertain significance. Last evaluated: 2025-12-08. Review status: criteria provided, single submitter. Criteria: Invitae Variant Classification Sherloc (09022015). Collection method: clinical testing. Allele origin: germline.
Comment: This sequence change replaces threonine, which is neutral and polar, with asparagine, which is neutral and polar, at codon 598 of the SLC26A1 protein (p.Thr598Asn). This variant is present in population databases (rs745684120, gnomAD 0.01%). This variant has not been reported in the literature in individuals affected with SLC26A1-related conditions. ClinVar contains an entry for this variant (Variation ID: 2899778). An algorithm developed to predict the effect of missense changes on protein structure and function (PolyPhen-2) suggests that this variant is likely to be tolerated. In summary, the available evidence is currently insufficient to determine the role of this variant in disease. Therefore, it has been classified as a Variant of Uncertain Significance.

Ambry Genetics
Classification: Uncertain significance for Inborn genetic diseases. Last evaluated: 2024-01-22. Review status: criteria provided, single submitter. Criteria: Ambry Variant Classification Scheme 2023. Collection method: clinical testing. Allele origin: germline.